The following is an entry in ClinVar:

NM_000081.4(LYST):c.740_742del (p.Ile247del)

Gene: LYST (lysosomal trafficking regulator; minus strand). Cytogenetic location: 1q42.3.
Variant type: Deletion.
Coding change: c.740_742del on transcript NM_000081.4 (MANE Select); coding-DNA positions 740 to 742, 3 bases deleted (TCA; older notation c.740_742delTCA).
Protein change: p.Ile247del; deletes isoleucine 247.
Molecular consequence: inframe deletion.
Genome position (GRCh38, 1-based): chr1:235,810,076-235,810,078, TGA deleted on the plus strand (TCA on the coding strand, the reverse complement: LYST is on the minus strand); deleting any 3 consecutive bases within chr1:235,810,076-235,810,079 gives the same sequence; the c. name uses the placement nearest the transcript's 3' end. VCF-style (leftmost placement, unchanged base first): chr1-235810075-CTGA-C. GRCh37 (hg19) VCF-style: chr1-235973375-CTGA-C.
Other names: c.740_742del, p.Ile247del (NM_001301365.1); short protein forms I247del.
Identifiers: ClinVar variation 2007032 (VCV002007032.4), dbSNP rs2527125813, ClinGen allele CA2580062339.

ClinVar aggregate classification (germline): Uncertain significance (1 of 4 stars; one submission).

Conditions:
Chédiak-Higashi syndrome (CHS). Also called: Chediak-Higashi Syndrome. Identifiers: Orphanet 167, MedGen C0007965, MONDO:0008963, OMIM 214500.

Submission:

Labcorp Genetics (formerly Invitae), Labcorp
Classification: Uncertain significance for Chédiak-Higashi syndrome. Last evaluated: 2022-06-15. Review status: criteria provided, single submitter. Criteria: Invitae Variant Classification Sherloc (09022015). Collection method: clinical testing. Allele origin: germline.
Comment: This variant has not been reported in the literature in individuals affected with LYST-related conditions. In summary, the available evidence is currently insufficient to determine the role of this variant in disease. Therefore, it has been classified as a Variant of Uncertain Significance. Experimental studies and prediction algorithms are not available or were not evaluated, and the functional significance of this variant is currently unknown. This variant is not present in population databases (gnomAD no frequency). This variant, c.740_742del, results in the deletion of 1 amino acid(s) of the LYST protein (p.Ile247del), but otherwise preserves the integrity of the reading frame.